The following is an entry in ClinVar:

ClinVar aggregate classification (germline): Likely benign. Review status: criteria provided, multiple submitters, no conflicts (2 of 4 stars). 2 submissions from 2 submitters: Likely benign (2). Last evaluated 2025-10-15.

Conditions:
AKAP9-related disorder. Also called: AKAP9-related condition.
Long QT syndrome (LQTS). Identifiers: MedGen C0023976, MeSH D008133, MONDO:0002442. Disease mechanism: loss of function. Inheritance: Various modes of inheritance.

Submissions (2):

Labcorp Genetics (formerly Invitae), Labcorp
Classification: Likely benign for Long QT syndrome. Last evaluated: 2025-10-15. Review status: criteria provided, single submitter. Criteria: Invitae Variant Classification Sherloc (09022015). Collection method: clinical testing. Allele origin: germline.

PreventionGenetics, part of Exact Sciences
Classification: Likely benign for AKAP9-related condition. Last evaluated: 2024-11-05. Review status: criteria provided, single submitter. Criteria: ACMG Guidelines, 2015. Collection method: clinical testing. Allele origin: germline.
Comment: This variant is classified as likely benign based on ACMG/AMP sequence variant interpretation guidelines (Richards et al. 2015 PMID: 25741868, with internal and published modifications).

NM_005751.5(AKAP9):c.4693-7A>C

Gene: AKAP9 (A-kinase anchoring protein 9; plus strand). Cytogenetic location: 7q21.2.
Variant type: single nucleotide variant.
Coding change: c.4693-7A>C on transcript NM_005751.5 (MANE Select); 7 bases into the intron before coding-DNA position 4693, A replaced by C.
Molecular consequence: intron variant.
Genome position (GRCh38, 1-based): chr7:92,040,667, A>C. VCF-style: chr7-92040667-A-C. GRCh37 (hg19) VCF-style: chr7-91669981-A-C.
Other names: c.4693-7A>C (NM_005751.4, NM_147185.3).
Identifiers: ClinVar variation 4713555 (VCV004713555.2).